The following is an entry in ClinVar:

NM_024408.4(NOTCH2):c.203G>A (p.Cys68Tyr)

Gene: NOTCH2 (notch receptor 2; minus strand). Cytogenetic location: 1p12.
Variant type: single nucleotide variant.
Coding change: c.203G>A on transcript NM_024408.4 (MANE Select); coding-DNA position 203, G replaced by A.
Protein change: p.Cys68Tyr; replaces cysteine 68 with tyrosine.
Molecular consequence: missense variant.
Genome position (GRCh38, 1-based): chr1:120,005,541, C>T on the plus strand (G>A on the coding strand, the complement: NOTCH2 is on the minus strand). VCF-style: chr1-120005541-C-T. GRCh37 (hg19) VCF-style: chr1-120548164-C-T.
Other names: c.203G>A, p.Cys68Tyr (NM_001200001.2); short protein forms C68Y.
Identifiers: ClinVar variation 2639055 (VCV002639055.24), dbSNP rs782412559, ClinGen allele CA1040908.

ClinVar aggregate classification (germline): Uncertain significance (1 of 4 stars; one submission).

Allele frequency attached by ClinVar (database versions not stated): ExAC 0.00001.

Submission:

CeGaT Center for Human Genetics Tuebingen
Classification: Uncertain significance. Last evaluated: 2023-04-01. Review status: criteria provided, single submitter. Criteria: CeGaT Center For Human Genetics Tuebingen Variant Classification Criteria Version 2. Collection method: clinical testing. Allele origin: germline. Affected: yes. Observed: 1 variant allele.
Comment: NOTCH2: PP2, PP3